The following is an entry in ClinVar:

NM_001130009.3(GEN1):c.25A>G (p.Ile9Val)

Gene: GEN1 (GEN1 structure-specific endonuclease; plus strand). Cytogenetic location: 2p24.2.
Variant type: single nucleotide variant.
Coding change: c.25A>G on transcript NM_001130009.3 (MANE Select); coding-DNA position 25, A replaced by G.
Protein change: p.Ile9Val; replaces isoleucine 9 with valine.
Molecular consequence: missense variant.
Genome position (GRCh38, 1-based): chr2:17,759,968, A>G. VCF-style: chr2-17759968-A-G. GRCh37 (hg19) VCF-style: chr2-17941235-A-G.
Other names: c.25A>G, p.Ile9Val (NM_182625.5); c.25A>G (NM_001130009.1); short protein forms I9V.
Identifiers: ClinVar variation 1022359 (VCV001022359.7), dbSNP rs1467832131, ClinGen allele CA345904713.
Genomic context (GRCh38, chr2:17,759,968, plus strand): 5'-AAAGTGTGTTTCACATAACAGCAGATAATCACCAGAATGGGAGTGAATGACTTGTGGCAA[A>G]TTTTGGAGCCTGTTAAGCAACACATCCCCTTGCGTAATCTTGGTGGGAAAACCATTGCAG-3'
Protein context (NP_001123481.3, residues 1-19): MGVNDLWQ[Ile9Val]LEPVKQHIPL

ClinVar aggregate classification (germline): Uncertain significance. Review status: criteria provided, multiple submitters, no conflicts (2 of 4 stars). 2 submissions from 2 submitters: Uncertain significance (2). Last evaluated 2025-01-17.

Allele frequency attached by ClinVar (database versions not stated): gnomAD exomes below 0.00001.
gnomAD v4.1: 2 of 1,613,944 alleles (0.00012%); highest among the groups gnomAD compares: Non-Finnish European, 0.000085%; no homozygotes.

Submissions (2):

Ambry Genetics
Classification: Uncertain significance. Last evaluated: 2025-01-17. Review status: criteria provided, single submitter. Criteria: Ambry Variant Classification Scheme 2023. Collection method: clinical testing. Allele origin: germline.
Comment: The p.I9V variant (also known as c.25A>G), located in coding exon 1 of the GEN1 gene, results from an A to G substitution at nucleotide position 25. The isoleucine at codon 9 is replaced by valine, an amino acid with highly similar properties. This amino acid position is conserved. In addition, this alteration is predicted to be tolerated by in silico analysis. Based on the available evidence, the clinical significance of this variant remains unclear.

Labcorp Genetics (formerly Invitae), Labcorp
Classification: Uncertain significance. Last evaluated: 2022-12-08. Review status: criteria provided, single submitter. Criteria: Invitae Variant Classification Sherloc (09022015). Collection method: clinical testing. Allele origin: germline.
Comment: Algorithms developed to predict the effect of missense changes on protein structure and function output the following: SIFT: "Tolerated"; PolyPhen-2: "Benign"; Align-GVGD: "Class C0". The valine amino acid residue is found in multiple mammalian species, which suggests that this missense change does not adversely affect protein function. ClinVar contains an entry for this variant (Variation ID: 1022359). This variant has not been reported in the literature in individuals affected with GEN1-related conditions. This variant is present in population databases (no rsID available, gnomAD 0.0009%). This sequence change replaces isoleucine, which is neutral and non-polar, with valine, which is neutral and non-polar, at codon 9 of the GEN1 protein (p.Ile9Val). In summary, the available evidence is currently insufficient to determine the role of this variant in disease. Therefore, it has been classified as a Variant of Uncertain Significance.